The following is an entry in ClinVar:

NM_000368.5(TSC1):c.1333+7T>G

Gene: TSC1 (TSC complex subunit 1; minus strand). Cytogenetic location: 9q34.13.
Variant type: single nucleotide variant.
Coding change: c.1333+7T>G on transcript NM_000368.5 (MANE Select); 7 bases into the intron after coding-DNA position 1333, T replaced by G.
Molecular consequence: intron variant.
Genome position (GRCh38, 1-based): chr9:132,907,294, A>C on the plus strand (T>G on the coding strand, the complement: TSC1 is on the minus strand). VCF-style: chr9-132907294-A-C. GRCh37 (hg19) VCF-style: chr9-135782681-A-C.
Other names: c.970+7T>G (NM_001362177.2); c.1180+7T>G (NM_001162427.2); c.1330+7T>G (NM_001162426.2).
Identifiers: ClinVar variation 743921 (VCV000743921.12), dbSNP rs1588313945, ClinGen allele CA915947249.

ClinVar aggregate classification (germline): Likely benign. Review status: criteria provided, multiple submitters, no conflicts (2 of 4 stars). 3 submissions from 3 submitters: Likely benign (3). Last evaluated 2026-06-01.

Conditions:
Tuberous sclerosis 1 (TSC1). Identifiers: Orphanet 805, MedGen C1854465, MONDO:0008612, OMIM 191100.

Allele frequency attached by ClinVar (database versions not stated): TOPMed below 0.00001; gnomAD 0.00001; gnomAD exomes below 0.00001.
gnomAD v4.1: 3 of 1,613,610 alleles (0.00019%); highest among the groups gnomAD compares: Admixed American, 0.0033%; no homozygotes.

Submissions (3):

CeGaT Center for Human Genetics Tuebingen
Classification: Likely benign. Last evaluated: 2026-06-01. Review status: criteria provided, single submitter. Criteria: CeGaT Center For Human Genetics Tuebingen Variant Classification Criteria Version 2. Collection method: clinical testing. Allele origin: germline. Affected: yes. Observed: 1 variant allele.
Comment: TSC1: BP4

Labcorp Genetics (formerly Invitae), Labcorp
Classification: Likely benign for Tuberous sclerosis 1. Last evaluated: 2025-04-30. Review status: criteria provided, single submitter. Criteria: Invitae Variant Classification Sherloc (09022015). Collection method: clinical testing. Allele origin: germline.

Myriad Genetics, Inc.
Classification: Likely benign for Tuberous sclerosis 1. Last evaluated: 2025-04-09. Review status: criteria provided, single submitter. Criteria: Myriad Autosomal Dominant, Autosomal Recessive and X-Linked Classification Criteria (2023). Collection method: clinical testing. Allele origin: unknown.
Comment: This variant is considered likely benign. This variant is intronic and is not expected to impact mRNA splicing.